The following is an entry in ClinVar:

NM_001036.6(RYR3):c.14110G>A (p.Glu4704Lys)

Genes: AVEN (apoptosis and caspase activation inhibitor; minus strand), RYR3 (ryanodine receptor 3; plus strand). Cytogenetic location: 15q14.
Variant type: single nucleotide variant.
Coding change: c.14110G>A on transcript NM_001036.6 (MANE Select); coding-DNA position 14110, G replaced by A.
Protein change: p.Glu4704Lys; replaces glutamic acid 4704 with lysine.
Molecular consequence: missense variant.
Genome position (GRCh38, 1-based): chr15:33,857,882, G>A. VCF-style: chr15-33857882-G-A. GRCh37 (hg19) VCF-style: chr15-34150083-G-A.
Other names: c.14095G>A, p.Glu4699Lys (NM_001243996.4); short protein forms E4704K, E4699K.
Identifiers: ClinVar variation 461872 (VCV000461872.44), dbSNP rs182257230, ClinGen allele CA7461900.

ClinVar aggregate classification (germline): Benign. Review status: criteria provided, multiple submitters, no conflicts (2 of 4 stars). 4 submissions from 4 submitters: Benign (3). 1 of the submissions does not count toward it. Last evaluated 2026-09-01.

Conditions:
RYR3-related disorder. Also called: RYR3-related condition.
Epileptic encephalopathy. Identifiers: MedGen C0543888, HP:0200134.

Allele frequency attached by ClinVar (database versions not stated): 1000 Genomes Project 30x 0.00172; 1000 Genomes Project 0.00200; TOPMed 0.00609; ESP Exome Variant Server 0.00704; gnomAD 0.00713 and 0.00733; gnomAD exomes 0.00762 and 0.00926; ExAC 0.00845.
gnomAD v4.1: 14,549 of 1,614,098 alleles (0.9%); highest among the groups gnomAD compares: Non-Finnish European, 1%; 79 homozygotes.

Submissions (4):

CeGaT Center for Human Genetics Tuebingen
Classification: Benign. Last evaluated: 2026-09-01. Review status: criteria provided, single submitter. Criteria: CeGaT Center For Human Genetics Tuebingen Variant Classification Criteria Version 2. Collection method: clinical testing. Allele origin: germline. Affected: yes. Observed: 27 variant alleles.
Comment: RYR3: PP3, BS1, BS2

Labcorp Genetics (formerly Invitae), Labcorp
Classification: Benign for Epileptic encephalopathy. Last evaluated: 2026-01-23. Review status: criteria provided, single submitter. Criteria: Invitae Variant Classification Sherloc (09022015). Collection method: clinical testing. Allele origin: germline.

Breakthrough Genomics
Classification: Benign. Review status: criteria provided, single submitter. Criteria: ACMG Guidelines, 2015. Collection method: not provided. Allele origin: germline. Inheritance: Unknown mechanism. Affected: yes.

PreventionGenetics, part of Exact Sciences
Classification: Likely benign for RYR3-related condition. Last evaluated: 2019-03-27. Review status: no assertion criteria provided. Collection method: clinical testing. Allele origin: germline. Not counted in ClinVar's aggregate classification.
Comment: This variant is classified as likely benign based on ACMG/AMP sequence variant interpretation guidelines (Richards et al. 2015 PMID: 25741868, with internal and published modifications).